The following is an entry in ClinVar:

NM_001365951.3(KIF1B):c.4644G>C (p.Gln1548His)

Gene: KIF1B (kinesin family member 1B; plus strand). Cytogenetic location: 1p36.22.
Variant type: single nucleotide variant.
Coding change: c.4644G>C on transcript NM_001365951.3 (MANE Select); coding-DNA position 4644, G replaced by C.
Protein change: p.Gln1548His; replaces glutamine 1548 with histidine.
Molecular consequence: missense variant.
Genome position (GRCh38, 1-based): chr1:10,365,540, G>C. VCF-style: chr1-10365540-G-C. GRCh37 (hg19) VCF-style: chr1-10425598-G-C.
Other names: c.4644G>C, p.Gln1548His (NM_001365952.1); c.4506G>C, p.Gln1502His (NM_015074.3); short protein forms Q1502H, Q1548H.
Identifiers: ClinVar variation 3226503 (VCV003226503.2), dbSNP rs199611419, ClinGen allele CA338322108.
Genomic context (GRCh38, chr1:10,365,540, plus strand): 5'-CTCGTTATCCCCCAGCCTCAGCAGTGGGACCCTCAGCACCTCCACCAGTATCTCCTCTCA[G>C]ATCTCAACCACTACCTTTGAAAGCGCCATCACACCTAGCGAGAGCAGTGGCTATGATTCA-3'
Protein context (NP_001352880.1, residues 1538-1558): TLSTSTSISS[Gln1548His]ISTTTFESAI

ClinVar aggregate classification (germline): Uncertain significance (1 of 4 stars; one submission).

gnomAD v4.1: 2 of 1,614,108 alleles (0.00012%); highest among the groups gnomAD compares: Non-Finnish European, 0.00017%; no homozygotes.

Submission:

Ambry Genetics
Classification: Uncertain significance. Last evaluated: 2025-11-18. Review status: criteria provided, single submitter. Criteria: Ambry Variant Classification Scheme 2023. Collection method: clinical testing. Allele origin: germline.
Comment: The p.Q1502H variant (also known as c.4506G>C), located in coding exon 40 of the KIF1B gene, results from a G to C substitution at nucleotide position 4506. The glutamine at codon 1502 is replaced by histidine, an amino acid with highly similar properties. This amino acid position is conserved. In addition, this alteration is predicted to be tolerated by in silico analysis. Since supporting evidence is limited at this time, the clinical significance of this alteration remains unclear.